The following is an entry in ClinVar:

NM_001292034.3(TAB2):c.332A>G (p.Gln111Arg)

Gene: TAB2 (TGF-beta activated kinase 1 (MAP3K7) binding protein 2; plus strand). Cytogenetic location: 6q25.1.
Variant type: single nucleotide variant.
Coding change: c.332A>G on transcript NM_001292034.3 (MANE Select); coding-DNA position 332, A replaced by G.
Protein change: p.Gln111Arg; replaces glutamine 111 with arginine.
Molecular consequence: missense variant.
Genome position (GRCh38, 1-based): chr6:149,378,247, A>G. VCF-style: chr6-149378247-A-G. GRCh37 (hg19) VCF-style: chr6-149699383-A-G.
Other names: c.236A>G, p.Gln79Arg (NM_001292035.3); c.332A>G, p.Gln111Arg (NM_001369506.1, NM_015093.6); short protein forms Q79R, Q111R.
Identifiers: ClinVar variation 1354201 (VCV001354201.6), dbSNP rs2114883020, ClinGen allele CA365993483.

ClinVar aggregate classification (germline): Uncertain significance (1 of 4 stars; one submission).

Submission:

Labcorp Genetics (formerly Invitae), Labcorp
Classification: Uncertain significance. Last evaluated: 2024-01-28. Review status: criteria provided, single submitter. Criteria: Invitae Variant Classification Sherloc (09022015). Collection method: clinical testing. Allele origin: germline.
Comment: This sequence change replaces glutamine, which is neutral and polar, with arginine, which is basic and polar, at codon 111 of the TAB2 protein (p.Gln111Arg). This variant is not present in population databases (gnomAD no frequency). This variant has not been reported in the literature in individuals affected with TAB2-related conditions. ClinVar contains an entry for this variant (Variation ID: 1354201). Advanced modeling of protein sequence and biophysical properties (such as structural, functional, and spatial information, amino acid conservation, physicochemical variation, residue mobility, and thermodynamic stability) performed at Invitae indicates that this missense variant is not expected to disrupt TAB2 protein function with a negative predictive value of 80%. In summary, the available evidence is currently insufficient to determine the role of this variant in disease. Therefore, it has been classified as a Variant of Uncertain Significance.